The following is an entry in ClinVar:

NM_015346.4(ZFYVE26):c.5735dup (p.Leu1912fs)

Gene: ZFYVE26 (zinc finger FYVE-type containing 26; minus strand). Cytogenetic location: 14q24.1.
Variant type: Duplication.
Coding change: c.5735dup on transcript NM_015346.4 (MANE Select); coding-DNA position 5735, one base duplicated (T; older notation c.5735dupT).
Protein change: p.Leu1912fs; shifts the reading frame from leucine 1912.
Molecular consequence: frameshift variant.
Genome position (GRCh38, 1-based): chr14:67,767,759, A duplicated on the plus strand (T on the coding strand, the reverse complement: ZFYVE26 is on the minus strand); the first of 4 consecutive A bases (chr14:67,767,759-67,767,762); duplicating any one gives the same sequence. VCF-style (leftmost placement, unchanged base first): chr14-67767758-C-CA. GRCh37 (hg19) VCF-style: chr14-68234475-C-CA.
Other names: short protein forms L1912fs.
Identifiers: ClinVar variation 1726822 (VCV001726822.2), dbSNP rs2502760236, ClinGen allele CA2580088661.

ClinVar aggregate classification (germline): Likely pathogenic (1 of 4 stars; one submission).

Conditions:
Hereditary spastic paraplegia 15 (SPG15). Also called: SPASTIC PARAPLEGIA 15, AUTOSOMAL RECESSIVE; KJELLIN SYNDROME; SPASTIC PARAPLEGIA AND RETINAL DEGENERATION. Identifiers: Orphanet 100996, MedGen C1849128, MONDO:0010044, OMIM 270700.

Submission:

Myriad Genetics, Inc.
Classification: Likely pathogenic for Hereditary spastic paraplegia 15. Last evaluated: 2022-01-02. Review status: criteria provided, single submitter. Criteria: Myriad Women's Health Autosomal Recessive and X-Linked Classification Criteria (2021). Collection method: clinical testing. Allele origin: unknown.
Comment: NM_015346.3(ZFYVE26):c.5735dupT(L1912Ffs*9) is expected to be pathogenic in the context of spastic paraplegia type 15. This variant is predicted to lead to an abnormal or absent protein product due to the creation of a premature termination codon in ZFYVE26, a gene where loss-of-function variants are known to be pathogenic. Please note: this variant was assessed in the context of healthy population screening.